The following is an entry in ClinVar:

ClinVar aggregate classification (germline): Pathogenic (1 of 4 stars; one submission).

Conditions:
Christianson syndrome (MRXSCH). Also called: SLC9A6-Related Syndromic Mental Retardation; X-linked mental retardation, syndromic, Christianson type; INTELLECTUAL DEVELOPMENTAL DISORDER, X-LINKED, SYNDROMIC, CHRISTIANSON TYPE. Identifiers: Orphanet 85278, MedGen C2678194, MONDO:0010278, OMIM 300243.

Submission:

Labcorp Genetics (formerly Invitae), Labcorp
Classification: Pathogenic for Christianson syndrome. Last evaluated: 2022-11-14. Review status: criteria provided, single submitter. Criteria: Invitae Variant Classification Sherloc (09022015). Collection method: clinical testing. Allele origin: germline.
Comment: This sequence change creates a premature translational stop signal (p.Arg169Glyfs*12) in the SLC9A6 gene. It is expected to result in an absent or disrupted protein product. Loss-of-function variants in SLC9A6 are known to be pathogenic (PMID: 18342287). This variant is not present in population databases (gnomAD no frequency). This variant has not been reported in the literature in individuals affected with SLC9A6-related conditions. For these reasons, this variant has been classified as Pathogenic.

Literature cited by the submitters: PubMed 18342287.

NM_001379110.1(SLC9A6):c.445del (p.Arg149fs)

Gene: SLC9A6 (solute carrier family 9 member A6; plus strand). Cytogenetic location: Xq26.3.
Variant type: Deletion.
Coding change: c.445del on transcript NM_001379110.1 (MANE Select); coding-DNA position 445, one base deleted (A; older notation c.445delA).
Protein change: p.Arg149fs; shifts the reading frame from arginine 149.
Molecular consequence: frameshift variant.
Genome position (GRCh38, 1-based): chrX:135,998,183, A deleted; the last of 4 consecutive A bases (chrX:135,998,180-135,998,183); deleting any one gives the same sequence. VCF-style (leftmost placement, unchanged base first): chrX-135998179-GA-G. GRCh37 (hg19) VCF-style: chrX-135080338-GA-G.
Other names: c.601del, p.Arg201fs (NM_001042537.2); c.445del, p.Arg149fs (NM_001177651.2, NM_001400909.1, NM_001400910.1 and 2 more transcripts); c.349del, p.Arg117fs (NM_001330652.2, NM_001400913.1); c.505del, p.Arg169fs (NM_006359.3); short protein forms R169fs, R201fs, R117fs, R149fs.
Identifiers: ClinVar variation 2814239 (VCV002814239.3), dbSNP rs2521178978, ClinGen allele CA2579709606.